The following is an entry in ClinVar:

ClinVar aggregate classification (germline): Conflicting classifications of pathogenicity. Review status: criteria provided, conflicting classifications (1 of 4 stars). 2 submissions from 2 submitters: Uncertain significance (1); Likely benign (1). Last evaluated 2025-01-24.

Allele frequency attached by ClinVar (database versions not stated): gnomAD exomes 0.00001; ExAC 0.00002; TOPMed 0.00003.
gnomAD v4.1: 12 of 1,614,032 alleles (0.00074%); highest among the groups gnomAD compares: Non-Finnish European, 0.001%; no homozygotes.

Submissions (2):

Labcorp Genetics (formerly Invitae), Labcorp
Classification: Uncertain significance. Last evaluated: 2025-01-24. Review status: criteria provided, single submitter. Criteria: Invitae Variant Classification Sherloc (09022015). Collection method: clinical testing. Allele origin: germline.
Comment: This sequence change replaces arginine, which is basic and polar, with cysteine, which is neutral and slightly polar, at codon 62 of the SIAE protein (p.Arg62Cys). This variant is present in population databases (rs758338728, gnomAD 0.003%). This variant has not been reported in the literature in individuals affected with SIAE-related conditions. ClinVar contains an entry for this variant (Variation ID: 1906894). An algorithm developed to predict the effect of missense changes on protein structure and function outputs the following: PolyPhen-2: "Benign". The cysteine amino acid residue is found in multiple mammalian species, which suggests that this missense change does not adversely affect protein function. In summary, the available evidence is currently insufficient to determine the role of this variant in disease. Therefore, it has been classified as a Variant of Uncertain Significance.

Ambry Genetics
Classification: Likely benign. Last evaluated: 2023-04-25. Review status: criteria provided, single submitter. Criteria: Ambry Variant Classification Scheme 2023. Collection method: clinical testing. Allele origin: germline.

NM_170601.5(SIAE):c.184C>T (p.Arg62Cys)

Gene: SIAE (sialic acid acetylesterase; minus strand). Cytogenetic location: 11q24.2.
Variant type: single nucleotide variant.
Coding change: c.184C>T on transcript NM_170601.5 (MANE Select); coding-DNA position 184, C replaced by T.
Protein change: p.Arg62Cys; replaces arginine 62 with cysteine.
Molecular consequence: missense variant.
Genome position (GRCh38, 1-based): chr11:124,669,405, G>A on the plus strand (C>T on the coding strand, the complement: SIAE is on the minus strand). VCF-style: chr11-124669405-G-A. GRCh37 (hg19) VCF-style: chr11-124539301-G-A.
Other names: c.79C>T, p.Arg27Cys (NM_001199922.2); c.184C>T (NM_170601.4); short protein forms R27C, R62C.
Identifiers: ClinVar variation 1906894 (VCV001906894.7), dbSNP rs758338728, ClinGen allele CA6341639.